The following is an entry in ClinVar:

NC_000016.9:g.(?_53692402)_(53694155_?)del

Gene: RPGRIP1L (RPGRIP1 like; minus strand). Cytogenetic location: 16q12.2.
Variant type: Deletion.
Identifiers: ClinVar variation 1458935 (VCV001458935.7).

ClinVar aggregate classification (germline): Pathogenic (1 of 4 stars; one submission).

Conditions:
Meckel-Gruber syndrome. Also called: DYSENCEPHALIA SPLANCHNOCYSTICA; GRUBER SYNDROME; Dysencephalia splachnocystica. Identifiers: Orphanet 564, MedGen C0265215, MONDO:0018921.
Joubert syndrome. Also called: CEREBELLOPARENCHYMAL DISORDER IV; JOUBERT-BOLTSHAUSER SYNDROME; Familial aplasia of the vermis. Identifiers: Orphanet 475, MedGen C5979921, MONDO:0018772.

Submission:

Labcorp Genetics (formerly Invitae), Labcorp
Classification: Pathogenic for Joubert syndrome; Meckel-Gruber syndrome. Last evaluated: 2022-06-27. Review status: criteria provided, single submitter. Criteria: Invitae Variant Classification Sherloc (09022015). Collection method: clinical testing. Allele origin: germline.
Comment: For these reasons, this variant has been classified as Pathogenic. This variant has not been reported in the literature in individuals affected with RPGRIP1L-related conditions. This variant is a gross deletion of the genomic region encompassing exon(s) 11 of the RPGRIP1L gene. This deletion is out-of-frame, and is expected to create a premature termination codon and result in an absent or disrupted protein product. Loss-of-function variants in RPGRIP1L are known to be pathogenic (PMID: 17558409).

Literature cited by the submitters: PubMed 17558409.